The following is an entry in ClinVar:

ClinVar aggregate classification (germline): Uncertain significance. Review status: criteria provided, single submitter (1 of 4 stars). 2 submissions from 2 submitters: Uncertain significance (1). 1 of the submissions does not count toward it. Last evaluated 2018-01-12.

Conditions:
Fanconi anemia complementation group E (FANCE). Also called: FANCE-Related Fanconi Anemia. Identifiers: Orphanet 84, MedGen C3160739, MONDO:0010953, OMIM 600901.

Allele frequency attached by ClinVar (database versions not stated): gnomAD exomes 0.00008; gnomAD 0.00017 and 0.00018; TOPMed 0.00018.
gnomAD v4.1: 106 of 1,136,446 alleles (0.0093%); highest among the groups gnomAD compares: Middle Eastern, 0.034%; no homozygotes.

Submissions (2):

Illumina Laboratory Services, Illumina
Classification: Uncertain significance for Fanconi anemia complementation group E. Last evaluated: 2018-01-12. Review status: criteria provided, single submitter. Criteria: ICSL Variant Classification Criteria 13 December 2019. Collection method: clinical testing. Allele origin: germline.

Leiden Open Variation Database
Classification: Uncertain significance. Last evaluated: 2019-02-24. Review status: no assertion criteria provided. Collection method: curation. Allele origin: germline. Affected: yes. Not counted in ClinVar's aggregate classification.
Comment: Curator: Arleen D. Auerbach. Submitter to LOVD: Andreas Laner.

NM_021922.3(FANCE):c.-105C>T

Genes: FANCE (FA complementation group E; plus strand), LOC129996245 (ATAC-STARR-seq lymphoblastoid silent region 17092; plus strand). Cytogenetic location: 6p21.31.
Variant type: single nucleotide variant.
Coding change: c.-105C>T on transcript NM_021922.3 (MANE Select); 105 bases upstream of the start codon, C replaced by T.
Molecular consequence: 5 prime UTR variant.
Genome position (GRCh38, 1-based): chr6:35,452,441, C>T. VCF-style: chr6-35452441-C-T. GRCh37 (hg19) VCF-style: chr6-35420218-C-T.
Identifiers: ClinVar variation 356437 (VCV000356437.6), dbSNP rs886061326, ClinGen allele CA10621945.